The following is an entry in ClinVar:

ClinVar aggregate classification (germline): Pathogenic/Likely pathogenic. Review status: criteria provided, multiple submitters, no conflicts (2 of 4 stars). 3 submissions from 3 submitters: Pathogenic (1); Likely pathogenic (2). Last evaluated 2026-01-25.

Conditions:
Autosomal recessive limb-girdle muscular dystrophy type 2J (LGMDR10). Also called: Limb-girdle muscular dystrophy, type 2J; MUSCULAR DYSTROPHY, LIMB-GIRDLE, AUTOSOMAL RECESSIVE 10. Identifiers: Orphanet 140922, MedGen C1837342, MONDO:0012127, OMIM 608807.
Dilated cardiomyopathy 1G (CMD1G). Identifiers: Orphanet 154, MedGen C1858763, MONDO:0011400, OMIM 604145.
Cardiovascular phenotype. Identifiers: MedGen CN230736.
Cardiomyopathy (CMYO). Also called: Cardiomyopathies. Identifiers: Orphanet 167848, MedGen C0878544, MONDO:0004994, HP:0001638. Inheritance: Various modes of inheritance.

Allele frequency attached by ClinVar (database versions not stated): gnomAD exomes below 0.00001; TOPMed below 0.00001.
gnomAD v4.1: 5 of 1,608,860 alleles (0.00031%); highest among the groups gnomAD compares: Non-Finnish European, 0.00042%; no homozygotes.

Submissions (3):

Labcorp Genetics (formerly Invitae), Labcorp
Classification: Pathogenic for Dilated cardiomyopathy 1G; Autosomal recessive limb-girdle muscular dystrophy type 2J. Last evaluated: 2026-01-25. Review status: criteria provided, single submitter. Criteria: Invitae Variant Classification Sherloc (09022015). Collection method: clinical testing. Allele origin: germline.
Comment: This sequence change creates a premature translational stop signal (p.Arg20103*) in the TTN gene. While this is not anticipated to result in nonsense mediated decay, it is expected to create a truncated TTN protein. This variant is not present in population databases (gnomAD no frequency). This premature translational stop signal has been observed in individuals with clinical features of dilated cardiomyopathy (internal data). ClinVar contains an entry for this variant (Variation ID: 535018). This variant is located in the A band of TTN (PMID: 25589632). Truncating variants in this region are significantly overrepresented in patients affected with dilated cardiomyopathy (PMID: 25589632). Truncating variants in this region have also been reported in individuals affected with autosomal recessive centronuclear myopathy (PMID: 23975875). For these reasons, this variant has been classified as Pathogenic.

Ambry Genetics
Classification: Likely pathogenic for Cardiovascular phenotype. Last evaluated: 2024-03-18. Review status: criteria provided, single submitter. Criteria: Ambry Variant Classification Scheme 2023. Collection method: clinical testing. Allele origin: germline.
Comment: The p.R11038* variant (also known as c.33112A>T), located in coding exon 131 of the TTN gene, results from an A to T substitution at nucleotide position 33112. This changes the amino acid from an arginine to a stop codon within coding exon 131. This exon is located in the A-band region of the N2-B isoform of the titin protein and is constitutively expressed in TTN transcripts (percent spliced in or PSI 100%). This variant is considered to be rare based on population cohorts in the Genome Aggregation Database (gnomAD). This alteration is expected to result in loss of function by premature protein truncation or nonsense-mediated mRNA decay. While truncating variants in TTN are present in 1-3% of the general population, truncating variants in the A-band are the most common cause of dilated cardiomyopathy (DCM) (Herman DS et al. N. Engl. J. Med., 2012 Feb;366:619-28; Roberts AM et al. Sci Transl Med, 2015 Jan;7:270ra6). TTN truncating variants encoded in constitutive exons (PSI >90%) have been found to be significantly associated with DCM regardless of their position in titin (Schafer S et al. Nat. Genet., 2017 01;49:46-53). As such, this alteration is classified as likely pathogenic.

CHEO Genetics Diagnostic Laboratory, Children's Hospital of Eastern Ontario
Classification: Likely pathogenic for Cardiomyopathy. Last evaluated: 2020-11-09. Review status: criteria provided, single submitter. Criteria: ACMG Guidelines, 2015. Collection method: clinical testing. Allele origin: germline. Study: Canadian Open Genetics Repository.

Literature cited by the submitters: PubMed 25589632 (cited by Labcorp Genetics (formerly Invitae), Labcorp); PubMed 23975875 (cited by Labcorp Genetics (formerly Invitae), Labcorp).

NM_001267550.2(TTN):c.60307A>T (p.Arg20103Ter)

Genes: TTN-AS1 (TTN antisense RNA 1; plus strand), TTN (titin; minus strand). Cytogenetic location: 2q31.2.
Variant type: single nucleotide variant.
Coding change: c.60307A>T on transcript NM_001267550.2 (MANE Select); coding-DNA position 60307, A replaced by T.
Protein change: p.Arg20103Ter; replaces arginine 20103 with a stop codon.
Molecular consequence: nonsense.
Genome position (GRCh38, 1-based): chr2:178,591,418, T>A on the plus strand (A>T on the coding strand, the complement: TTN is on the minus strand). VCF-style: chr2-178591418-T-A. GRCh37 (hg19) VCF-style: chr2-179456145-T-A.
Other names: c.55384A>T, p.Arg18462Ter (NM_001256850.1); c.33112A>T, p.Arg11038Ter (NM_003319.4); c.52603A>T, p.Arg17535Ter (NM_133378.4); c.33487A>T, p.Arg11163Ter (NM_133432.3); c.33688A>T, p.Arg11230Ter (NM_133437.4); short protein forms R20103*, R18462*, R11163*, R11038*, R11230*, R17535*.
Identifiers: ClinVar variation 535018 (VCV000535018.13), dbSNP rs1553644307, ClinGen allele CA349485552.